The following is an entry in ClinVar:

NM_001035.3(RYR2):c.3566A>G (p.Glu1189Gly)

Gene: RYR2 (ryanodine receptor 2; plus strand). Cytogenetic location: 1q43.
Variant type: single nucleotide variant.
Coding change: c.3566A>G on transcript NM_001035.3 (MANE Select); coding-DNA position 3566, A replaced by G.
Protein change: p.Glu1189Gly; replaces glutamic acid 1189 with glycine.
Molecular consequence: missense variant.
Genome position (GRCh38, 1-based): chr1:237,569,287, A>G. VCF-style: chr1-237569287-A-G. GRCh37 (hg19) VCF-style: chr1-237732587-A-G.
Other names: short protein forms E1189G.
Identifiers: ClinVar variation 3385709 (VCV003385709.1).

ClinVar aggregate classification (germline): Uncertain significance (1 of 4 stars; one submission).

Conditions:
Catecholaminergic polymorphic ventricular tachycardia (CVPT). Also called: Catecholamine-induced polymorphic ventricular tachycardia. Identifiers: Orphanet 3286, MedGen C5574922, MONDO:0017990.

gnomAD v4.1: 8 of 1,613,888 alleles (0.0005%); highest among the groups gnomAD compares: Non-Finnish European, 0.00068%; no homozygotes.

Submission:

All of Us Research Program, National Institutes of Health
Classification: Uncertain significance for Catecholaminergic polymorphic ventricular tachycardia. Last evaluated: 2024-03-05. Review status: criteria provided, single submitter. Criteria: ACMG Guidelines, 2015. Collection method: clinical testing. Allele origin: germline. Inheritance: Autosomal dominant inheritance. Observed: 1 variant allele, 1 heterozygote.
Comment: This study involves interpretation of variants in research participants for the purpose of population health screening. Participant phenotype was not available at the time of variant classification. Additional details can be found in publication PMID: 35346344, PMCID: PMC8962531